The following is an entry in ClinVar:

NM_000934.4(SERPINF2):c.475G>A (p.Ala159Thr)

Gene: SERPINF2 (serpin family F member 2; plus strand). Cytogenetic location: 17p13.3.
Variant type: single nucleotide variant.
Coding change: c.475G>A on transcript NM_000934.4 (MANE Select); coding-DNA position 475, G replaced by A.
Protein change: p.Ala159Thr; replaces alanine 159 with threonine.
Molecular consequence: missense variant.
Genome position (GRCh38, 1-based): chr17:1,747,126, G>A. VCF-style: chr17-1747126-G-A. GRCh37 (hg19) VCF-style: chr17-1650420-G-A.
Other names: c.475G>A, p.Ala159Thr (NM_001165920.1); c.283G>A, p.Ala95Thr (NM_001165921.2); short protein forms A95T, A159T.
Identifiers: ClinVar variation 4980249 (VCV004980249.1).

ClinVar aggregate classification (germline): Likely benign (1 of 4 stars; one submission).

Conditions:
SERPINF2-related disorder. Also called: SERPINF2-related condition.

gnomAD v4.1: 199 of 1,611,870 alleles (0.012%); highest among the groups gnomAD compares: South Asian, 0.15%; 1 homozygote.

Submission:

PreventionGenetics, part of Exact Sciences
Classification: Likely benign for SERPINF2-related condition. Last evaluated: 2025-04-19. Review status: criteria provided, single submitter. Criteria: ACMG Guidelines, 2015. Collection method: clinical testing. Allele origin: germline.
Comment: This variant is classified as likely benign based on ACMG/AMP sequence variant interpretation guidelines (Richards et al. 2015 PMID: 25741868, with internal and published modifications).